The following is an entry in ClinVar:

ClinVar aggregate classification (germline): Conflicting classifications of pathogenicity. Review status: criteria provided, conflicting classifications (1 of 4 stars). 5 submissions from 5 submitters: Uncertain significance (4); Likely benign (1). Last evaluated 2026-08-06.

Conditions:
Hereditary cancer-predisposing syndrome. Also called: Neoplastic Syndromes, Hereditary; Hereditary neoplastic syndrome; Hereditary Cancer Syndrome; Tumor predisposition. Identifiers: Orphanet 140162, MedGen C0027672, MeSH D009386, MONDO:0015356.
Colorectal cancer, susceptibility to, 12 (CRCS12). Also called: COLORECTAL CANCER, SUSCEPTIBILITY TO, ON CHROMOSOME 12q24. Identifiers: Orphanet 220460, MedGen C3554460, MONDO:0014038, OMIM 615083.
Familial colorectal cancer. Identifiers: MedGen CN280943, MONDO:0023113. Disease mechanism: loss of function.

Allele frequency attached by ClinVar (database versions not stated): TOPMed 0.00001; gnomAD 0.00001.
gnomAD v4.1: 2 of 1,614,042 alleles (0.00012%); highest among the groups gnomAD compares: African/African-American, 0.0013%; no homozygotes.

Submissions (5):

OLLIN Analises Genomicas, OLLIN
Classification: Uncertain significance for Colorectal cancer, susceptibility to, 12. Last evaluated: 2026-08-06. Review status: criteria provided, single submitter. Criteria: ACMG Guidelines 2015 PMID 25741868. Collection method: clinical testing. Allele origin: germline. Inheritance: Autosomal recessive inheritance.
Comment: This missense variant, located in exon 40 (of 49), has been reported in ClinVar (accession VCV000405694.14) and in gnomAD with an allele frequency of 0.00012%. However, to our knowledge, it has not been reported in the scientific literature. In silico analysis predicts that this variant has a tolerated effect. According to the currently available evidence, this variant has been classified as uncertain significance (BP4_M).

Ambry Genetics
Classification: Uncertain significance for Hereditary cancer-predisposing syndrome. Last evaluated: 2025-04-22. Review status: criteria provided, single submitter. Criteria: Ambry Variant Classification Scheme 2023. Collection method: clinical testing. Allele origin: germline.
Comment: The p.H1810L variant (also known as c.5429A>T), located in coding exon 40 of the POLE gene, results from an A to T substitution at nucleotide position 5429. The histidine at codon 1810 is replaced by leucine, an amino acid with similar properties. This amino acid position is poorly conserved in available vertebrate species. In addition, this alteration is predicted to be tolerated by in silico analysis. Based on the available evidence, the clinical significance of this variant remains unclear.

Labcorp Genetics (formerly Invitae), Labcorp
Classification: Uncertain significance. Last evaluated: 2025-01-29. Review status: criteria provided, single submitter. Criteria: Invitae Variant Classification Sherloc (09022015). Collection method: clinical testing. Allele origin: germline.
Comment: This sequence change replaces histidine, which is basic and polar, with leucine, which is neutral and non-polar, at codon 1810 of the POLE protein (p.His1810Leu). This variant is not present in population databases (gnomAD no frequency). This missense change has been observed in individual(s) with colorectal cancer (PMID: 25058500). This variant is also known as c.5473A>T. ClinVar contains an entry for this variant (Variation ID: 405694). Invitae Evidence Modeling of protein sequence and biophysical properties (such as structural, functional, and spatial information, amino acid conservation, physicochemical variation, residue mobility, and thermodynamic stability) indicates that this missense variant is not expected to disrupt POLE protein function with a negative predictive value of 80%. In summary, the available evidence is currently insufficient to determine the role of this variant in disease. Therefore, it has been classified as a Variant of Uncertain Significance.

Mendelics
Classification: Likely benign for Familial colorectal cancer. Last evaluated: 2024-04-09. Review status: criteria provided, single submitter. Criteria: ACMG Guidelines, 2015. Collection method: clinical testing. Allele origin: unknown.

GeneDx
Classification: Uncertain significance. Last evaluated: 2023-06-16. Review status: criteria provided, single submitter. Criteria: GeneDx Variant Classification Process June 2021. Collection method: clinical testing. Allele origin: germline. Affected: yes.
Comment: Not observed at significant frequency in large population cohorts (gnomAD); In silico analysis supports that this missense variant has a deleterious effect on protein structure/function; Observed in individuals with a personal and/or family history of colorectal cancer (Esteban-Jurado et al., 2015); This variant is associated with the following publications: (PMID: 25058500)

Literature cited by the submitters: PubMed 25058500 (cited by Labcorp Genetics (formerly Invitae), Labcorp).

NM_006231.4(POLE):c.5429A>T (p.His1810Leu)

Gene: POLE (DNA polymerase epsilon, catalytic subunit; minus strand). Cytogenetic location: 12q24.33.
Variant type: single nucleotide variant.
Coding change: c.5429A>T on transcript NM_006231.4 (MANE Select); coding-DNA position 5429, A replaced by T.
Protein change: p.His1810Leu; replaces histidine 1810 with leucine.
Molecular consequence: missense variant.
Genome position (GRCh38, 1-based): chr12:132,639,248, T>A on the plus strand (A>T on the coding strand, the complement: POLE is on the minus strand). VCF-style: chr12-132639248-T-A. GRCh37 (hg19) VCF-style: chr12-133215834-T-A.
Other names: short protein forms H1810L.
Identifiers: ClinVar variation 405694 (VCV000405694.15), dbSNP rs777390504, ClinGen allele CA16613752.